The following is an entry in ClinVar:

ClinVar aggregate classification (germline): Uncertain significance. Review status: criteria provided, multiple submitters, no conflicts (2 of 4 stars). 2 submissions from 2 submitters: Uncertain significance (2). Last evaluated 2018-06-06.

Conditions:
Landau-Kleffner syndrome (FESD). Also called: EPILEPSY, FOCAL, WITH SPEECH DISORDER AND WITH OR WITHOUT MENTAL RETARDATION; APHASIA, ACQUIRED, WITH EPILEPSY. Identifiers: Orphanet 1945, Orphanet 725, Orphanet 98818, MedGen C0282512, MONDO:0009509, OMIM 245570.

Allele frequency attached by ClinVar (database versions not stated): gnomAD exomes below 0.00001.
gnomAD v4.1: 3 of 1,614,046 alleles (0.00019%); highest among the groups gnomAD compares: Non-Finnish European, 0.00025%; no homozygotes.

Submissions (2):

Labcorp Genetics (formerly Invitae), Labcorp
Classification: Uncertain significance for Landau-Kleffner syndrome. Last evaluated: 2018-06-06. Review status: criteria provided, single submitter. Criteria: Invitae Variant Classification Sherloc (09022015). Collection method: clinical testing. Allele origin: germline.
Comment: This variant has not been reported in the literature in individuals with GRIN2A-related disease. ClinVar contains an entry for this variant (Variation ID: 430338). This sequence change replaces asparagine with threonine at codon 1220 of the GRIN2A protein (p.Asn1220Thr). The asparagine residue is moderately conserved and there is a small physicochemical difference between asparagine and threonine. This variant is not present in population databases (ExAC no frequency). Algorithms developed to predict the effect of missense changes on protein structure and function are either unavailable or do not agree on the potential impact of this missense change (SIFT: "Tolerated"; PolyPhen-2: "Possibly Damaging"; Align-GVGD: "Class C0"). In summary, the available evidence is currently insufficient to determine the role of this variant in disease. Therefore, it has been classified as a Variant of Uncertain Significance.

GeneDx
Classification: Uncertain significance. Last evaluated: 2017-05-25. Review status: criteria provided, single submitter. Criteria: GeneDx Variant Classification (06012015). Collection method: clinical testing. Allele origin: germline. Affected: yes.
Comment: A variant of uncertain significance has been identified in the GRIN2A gene. The N1220T variant has not been published as a pathogenic variant, nor has it been reported as a benign variant to our knowledge. The N1220T variant is not observed in large population cohorts (Lek et al., 2016; 1000 Genomes Consortium et al., 2015; Exome Variant Server). This substitution occurs at a position that is conserved in mammals. However, the N1220T variant is a conservative amino acid substitution, which is not likely to impact secondary protein structure as these residues share similar properties. In silico analysis is inconsistent in its predictions as to whether or not the variant is damaging to the protein structure/function. Therefore, based on the currently available information, it is unclear whether this variant is a pathogenic variant or a rare benign variant.

NM_001134407.3(GRIN2A):c.3659A>C (p.Asn1220Thr)

Gene: GRIN2A (glutamate ionotropic receptor NMDA type subunit 2A; minus strand). Cytogenetic location: 16p13.2.
Variant type: single nucleotide variant.
Coding change: c.3659A>C on transcript NM_001134407.3 (MANE Select); coding-DNA position 3659, A replaced by C.
Protein change: p.Asn1220Thr; replaces asparagine 1220 with threonine.
Molecular consequence: missense variant.
Genome position (GRCh38, 1-based): chr16:9,763,885, T>G on the plus strand (A>C on the coding strand, the complement: GRIN2A is on the minus strand). VCF-style: chr16-9763885-T-G. GRCh37 (hg19) VCF-style: chr16-9857742-T-G.
Other names: c.3659A>C, p.Asn1220Thr (NM_000833.5, NM_001134408.2); short protein forms N1220T.
Identifiers: ClinVar variation 430338 (VCV000430338.10), dbSNP rs1131691913, ClinGen allele CA394707141.